The following is an entry in ClinVar:

ClinVar aggregate classification (germline): Uncertain significance (1 of 4 stars; one submission).

Submission:

Labcorp Genetics (formerly Invitae), Labcorp
Classification: Uncertain significance. Last evaluated: 2021-08-05. Review status: criteria provided, single submitter. Criteria: Invitae Variant Classification Sherloc (09022015). Collection method: clinical testing. Allele origin: germline.
Comment: In summary, the available evidence is currently insufficient to determine the role of this variant in disease. Therefore, it has been classified as a Variant of Uncertain Significance. Algorithms developed to predict the effect of sequence changes on RNA splicing suggest that this variant may disrupt the consensus splice site. This variant has not been reported in the literature in individuals affected with SIAE-related conditions. This variant is not present in population databases (ExAC no frequency). This sequence change affects a donor splice site in intron 2 of the SIAE gene. It is expected to disrupt RNA splicing. Variants that disrupt the donor or acceptor splice site typically lead to a loss of protein function (PMID: 16199547), however the current clinical and genetic evidence is not sufficient to establish whether loss-of-function variants in SIAE cause disease.

Literature cited by the submitters: PubMed 16199547.

NM_170601.5(SIAE):c.229+1G>T

Gene: SIAE (sialic acid acetylesterase; minus strand). Cytogenetic location: 11q24.2.
Variant type: single nucleotide variant.
Coding change: c.229+1G>T on transcript NM_170601.5 (MANE Select); the canonical splice donor site of the intron after coding-DNA position 229, G replaced by T.
Molecular consequence: splice donor variant.
Genome position (GRCh38, 1-based): chr11:124,669,359, C>A on the plus strand (G>T on the coding strand, the complement: SIAE is on the minus strand). VCF-style: chr11-124669359-C-A. GRCh37 (hg19) VCF-style: chr11-124539255-C-A.
Other names: c.124+1G>T (NM_001199922.2).
Identifiers: ClinVar variation 1409522 (VCV001409522.6), dbSNP rs2134393475, ClinGen allele CA383121817.